The following is an entry in ClinVar:

NM_138352.3(SAMD1):c.663A>C (p.Pro221=)

Gene: SAMD1 (sterile alpha motif domain containing 1; minus strand). Cytogenetic location: 19p13.12.
Variant type: single nucleotide variant.
Coding change: c.663A>C on transcript NM_138352.3 (MANE Select); coding-DNA position 663, A replaced by C.
Protein change: p.Pro221=; no amino-acid change (proline 221 retained).
Molecular consequence: synonymous variant.
Genome position (GRCh38, 1-based): chr19:14,090,076, T>G on the plus strand (A>C on the coding strand, the complement: SAMD1 is on the minus strand). VCF-style: chr19-14090076-T-G. GRCh37 (hg19) VCF-style: chr19-14200888-T-G.
Identifiers: ClinVar variation 2649410 (VCV002649410.24), dbSNP rs1434183948, ClinGen allele CA505794117.

ClinVar aggregate classification (germline): Likely benign (1 of 4 stars; one submission).

Submission:

CeGaT Center for Human Genetics Tuebingen
Classification: Likely benign. Last evaluated: 2024-08-01. Review status: criteria provided, single submitter. Criteria: CeGaT Center For Human Genetics Tuebingen Variant Classification Criteria Version 2. Collection method: clinical testing. Allele origin: germline. Affected: yes. Observed: 4 variant alleles.
Comment: SAMD1: BP4, BP7